The following is an entry in ClinVar:

NM_006030.4(CACNA2D2):c.2863-12T>C

Genes: CACNA2D2 (calcium voltage-gated channel auxiliary subunit alpha2delta 2; minus strand), LOC101928965 (uncharacterized LOC101928965; plus strand), LOC127898564 (CYB561D2-LOC101928965; plus strand). Cytogenetic location: 3p21.31.
Variant type: single nucleotide variant.
Coding change: c.2863-12T>C on transcript NM_006030.4 (MANE Select); 12 bases into the intron before coding-DNA position 2863, T replaced by C.
Molecular consequence: intron variant.
Genome position (GRCh38, 1-based): chr3:50,365,874, A>G on the plus strand (T>C on the coding strand, the complement: CACNA2D2 is on the minus strand). VCF-style: chr3-50365874-A-G. GRCh37 (hg19) VCF-style: chr3-50403305-A-G.
Other names: c.2656-12T>C (NM_001291101.1); c.2863-12T>C (NM_001005505.3); c.2884-12T>C (NM_001174051.3).
Identifiers: ClinVar variation 1957753 (VCV001957753.5), dbSNP rs1213215116, ClinGen allele CA433868702.

ClinVar aggregate classification (germline): Uncertain significance (1 of 4 stars; one submission).

Conditions:
Early-infantile DEE. Also called: Ohtahara syndrome; Early infantile epileptic encephalopathy with suppression bursts; Early infantile epileptic encephalopathy. Identifiers: Orphanet 1934, MedGen C0393706, MONDO:0800491.

Allele frequency attached by ClinVar (database versions not stated): gnomAD 0.00001; gnomAD exomes below 0.00001.
gnomAD v4.1: 2 of 1,612,860 alleles (0.00012%); highest among the groups gnomAD compares: Non-Finnish European, 0.00017%; no homozygotes.

Submission:

Labcorp Genetics (formerly Invitae), Labcorp
Classification: Uncertain significance for Early-infantile DEE. Last evaluated: 2022-04-01. Review status: criteria provided, single submitter. Criteria: Invitae Variant Classification Sherloc (09022015). Collection method: clinical testing. Allele origin: germline.
Comment: Algorithms developed to predict the effect of sequence changes on RNA splicing suggest that this variant may disrupt the consensus splice site. In summary, the available evidence is currently insufficient to determine the role of this variant in disease. Therefore, it has been classified as a Variant of Uncertain Significance. This sequence change falls in intron 32 of the CACNA2D2 gene. It does not directly change the encoded amino acid sequence of the CACNA2D2 protein. This variant has not been reported in the literature in individuals affected with CACNA2D2-related conditions. This variant is present in population databases (no rsID available, gnomAD 0.007%).